The following is an entry in ClinVar:

NM_016239.4(MYO15A):c.5867G>A (p.Arg1956Gln)

Gene: MYO15A (myosin XVA; plus strand). Cytogenetic location: 17p11.2.
Variant type: single nucleotide variant.
Coding change: c.5867G>A on transcript NM_016239.4 (MANE Select); coding-DNA position 5867, G replaced by A.
Protein change: p.Arg1956Gln; replaces arginine 1956 with glutamine.
Molecular consequence: missense variant.
Genome position (GRCh38, 1-based): chr17:18,142,797, G>A. VCF-style: chr17-18142797-G-A. GRCh37 (hg19) VCF-style: chr17-18046111-G-A.
Other names: short protein forms R1956Q.
Identifiers: ClinVar variation 667272 (VCV000667272.13), dbSNP rs769596933, ClinGen allele CA288404648.

ClinVar aggregate classification (germline): Conflicting classifications of pathogenicity. Review status: criteria provided, conflicting classifications (1 of 4 stars). 5 submissions from 5 submitters: Uncertain significance (4); Likely benign (1). Last evaluated 2025-09-26.

Conditions:
Autosomal recessive nonsyndromic hearing loss 3. Also called: NEUROSENSORY NONSYNDROMIC RECESSIVE DEAFNESS 3. Identifiers: Orphanet 90636, MedGen C1838263, MONDO:0010860, OMIM 600316.
Inborn genetic diseases. Identifiers: MedGen C0950123, MeSH D030342.

Allele frequency attached by ClinVar (database versions not stated): gnomAD 0.00006; TOPMed 0.00019.
gnomAD v4.1: 98 of 1,613,508 alleles (0.0061%); highest among the groups gnomAD compares: Admixed American, 0.13%; no homozygotes.

Submissions (5):

Labcorp Genetics (formerly Invitae), Labcorp
Classification: Likely benign. Last evaluated: 2025-09-26. Review status: criteria provided, single submitter. Criteria: Invitae Variant Classification Sherloc (09022015). Collection method: clinical testing. Allele origin: germline.

GeneDx
Classification: Uncertain significance. Last evaluated: 2025-02-16. Review status: criteria provided, single submitter. Criteria: GeneDx Variant Classification Process June 2021. Collection method: clinical testing. Allele origin: germline. Affected: yes.
Comment: In silico analysis indicates that this missense variant does not alter protein structure/function; Has not been previously published as pathogenic or benign to our knowledge

Ambry Genetics
Classification: Uncertain significance for Inborn genetic diseases. Last evaluated: 2024-10-01. Review status: criteria provided, single submitter. Criteria: Ambry Variant Classification Scheme 2023. Collection method: clinical testing. Allele origin: germline.

Baylor Genetics
Classification: Uncertain significance for Autosomal recessive nonsyndromic hearing loss 3. Last evaluated: 2019-07-16. Review status: criteria provided, single submitter. Criteria: ACMG Guidelines, 2015. Collection method: clinical testing. Allele origin: unknown. Affected: yes.
Comment: This variant was determined to be of uncertain significance according to ACMG Guidelines, 2015 [PMID:25741868].

Laboratory for Molecular Medicine, Mass General Brigham Personalized Medicine
Classification: Uncertain significance. Last evaluated: 2018-05-18. Review status: criteria provided, single submitter. Criteria: LMM Criteria. Collection method: clinical testing. Allele origin: germline. Observed: 1 variant allele.
Comment: The p.Arg1956Gln variant in MYO15A has not been previously reported in individua ls with hearing loss. It has been identified in 20/34354 Latino chromosomes by t he Genome Aggregation Database (gnomAD; dbSNP rs769596933). Although this variant has been seen in the general population, its frequency is not high enough to rule out a pathogenic role. Computational predi ction tools and conservation analysis do not provide strong support for or again st an impact to the protein. In summary, the clinical significance of the p.Arg1 956Gln variant is uncertain. ACMG/AMP Criteria applied: none.